The following is an entry in ClinVar:

ClinVar aggregate classification (germline): Uncertain significance (1 of 4 stars; one submission).

Allele frequency attached by ClinVar (database versions not stated): gnomAD exomes 0.00005 and 0.00011; ExAC 0.00006; TOPMed 0.00006; gnomAD 0.00007; ESP Exome Variant Server 0.00016.
gnomAD v4.1: 175 of 1,590,952 alleles (0.011%); highest among the groups gnomAD compares: Middle Eastern, 0.017%; no homozygotes.

Submission:

Labcorp Genetics (formerly Invitae), Labcorp
Classification: Uncertain significance. Last evaluated: 2025-01-21. Review status: criteria provided, single submitter. Criteria: Invitae Variant Classification Sherloc (09022015). Collection method: clinical testing. Allele origin: germline.
Comment: This sequence change falls in intron 6 of the POLR1A gene. It does not directly change the encoded amino acid sequence of the POLR1A protein. This variant is present in population databases (rs371432475, gnomAD 0.01%). This variant has not been reported in the literature in individuals affected with POLR1A-related conditions. ClinVar contains an entry for this variant (Variation ID: 1493489). Algorithms developed to predict the effect of sequence changes on RNA splicing suggest that this variant may create or strengthen a splice site. In summary, the available evidence is currently insufficient to determine the role of this variant in disease. Therefore, it has been classified as a Variant of Uncertain Significance.

NM_015425.6(POLR1A):c.730+10C>G

Gene: POLR1A (RNA polymerase I subunit A; minus strand). Cytogenetic location: 2p11.2.
Variant type: single nucleotide variant.
Coding change: c.730+10C>G on transcript NM_015425.6 (MANE Select); 10 bases into the intron after coding-DNA position 730, C replaced by G.
Molecular consequence: intron variant.
Genome position (GRCh38, 1-based): chr2:86,088,556, G>C on the plus strand (C>G on the coding strand, the complement: POLR1A is on the minus strand). VCF-style: chr2-86088556-G-C. GRCh37 (hg19) VCF-style: chr2-86315679-G-C.
Identifiers: ClinVar variation 1493489 (VCV001493489.6), dbSNP rs371432475, ClinGen allele CA1746559.
Genomic context (GRCh38, chr2:86,088,556, plus strand): 5'-GGTATTCCCAGGGTTTAGGACACATCTGCTGGCCTCACATGGAGCTCCTCTCCAGACCCA[G>C]CCTGCTCACCCAGGGGCTCAGAGTCCTTCTGGCCAGCTGTCCTGTGCACCATGGCTGGAA-3'